The following is an entry in ClinVar:

ClinVar aggregate classification (germline): Benign/Likely benign. Review status: criteria provided, multiple submitters, no conflicts (2 of 4 stars). 9 submissions from 9 submitters: Benign (2); Likely benign (3). 4 of the submissions do not count toward it. Last evaluated 2026-02-01.

Conditions:
Nephronophthisis. Also called: Juvenile Nephronophthisis. Identifiers: Orphanet 655, MedGen C0687120, MONDO:0019005, HP:0000090.
Senior-Loken syndrome 5 (SLSN5). Identifiers: Orphanet 3156, MedGen C1836517, MONDO:0012225, OMIM 609254.

Allele frequency attached by ClinVar (database versions not stated): gnomAD exomes 0.00034 and 0.00074; ExAC 0.00134; gnomAD 0.00254 and 0.00267; TOPMed 0.00272; ESP Exome Variant Server 0.00339; 1000 Genomes Project 0.00399; 1000 Genomes Project 30x 0.00437.
gnomAD v4.1: 894 of 1,540,662 alleles (0.058%); highest among the groups gnomAD compares: African/African-American, 0.93%; 7 homozygotes.

Submissions (9):

Labcorp Genetics (formerly Invitae), Labcorp
Classification: Benign for Nephronophthisis. Last evaluated: 2026-02-01. Review status: criteria provided, single submitter. Criteria: Invitae Variant Classification Sherloc (09022015). Collection method: clinical testing. Allele origin: germline.

Blueprint Genetics
Classification: Likely benign. Last evaluated: 2024-11-11. Review status: criteria provided, single submitter. Criteria: ACMG Guidelines, 2015. Collection method: clinical testing. Allele origin: germline.

Illumina Laboratory Services, Illumina
Classification: Likely benign for Senior-Loken syndrome 5. Last evaluated: 2017-04-27. Review status: criteria provided, single submitter. Criteria: ICSL Variant Classification Criteria 13 December 2019. Collection method: clinical testing. Allele origin: germline.
Comment: This variant was observed as part of a predisposition screen in an ostensibly healthy population. A literature search was performed for the gene, cDNA change, and amino acid change (where applicable). No publications were found based on this search. Allele frequency data from public databases allowed determination this variant is unlikely to cause disease. Therefore, this variant is classified as likely benign.

Breakthrough Genomics
Classification: Likely benign. Review status: criteria provided, single submitter. Criteria: ACMG Guidelines, 2015. Collection method: not provided. Allele origin: germline. Inheritance: Autosomal recessive inheritance. Affected: yes.

PreventionGenetics, part of Exact Sciences
Classification: Benign. Review status: criteria provided, single submitter. Criteria: ACMG Guidelines, 2015. Collection method: clinical testing. Allele origin: germline.

Clinical Genetics DNA and cytogenetics Diagnostics Lab, Erasmus MC, Erasmus Medical Center
Classification: Likely benign. Review status: no assertion criteria provided. Collection method: clinical testing. Allele origin: germline. Affected: yes. Study: VKGL Data-share Consensus. Not counted in ClinVar's aggregate classification.

Clinical Genetics, Academic Medical Center
Classification: Benign. Review status: no assertion criteria provided. Collection method: clinical testing. Allele origin: germline. Affected: yes. Study: VKGL Data-share Consensus. Not counted in ClinVar's aggregate classification.

Genome Diagnostics Laboratory, University Medical Center Utrecht
Classification: Likely benign. Review status: no assertion criteria provided. Collection method: clinical testing. Allele origin: germline. Affected: yes. Study: VKGL Data-share Consensus. Not counted in ClinVar's aggregate classification.

Laboratory of Diagnostic Genome Analysis, Leiden University Medical Center (LUMC)
Classification: Likely benign. Review status: no assertion criteria provided. Collection method: clinical testing. Allele origin: germline. Affected: yes. Study: VKGL Data-share Consensus. Not counted in ClinVar's aggregate classification.

NM_001023570.4(IQCB1):c.588T>C (p.Ser196=)

Gene: IQCB1 (IQ motif containing B1; minus strand). Cytogenetic location: 3q13.33.
Variant type: single nucleotide variant.
Coding change: c.588T>C on transcript NM_001023570.4 (MANE Select); coding-DNA position 588, T replaced by C.
Protein change: p.Ser196=; no amino-acid change (serine 196 retained).
Molecular consequence: synonymous variant. On other transcripts: non-coding transcript variant (1), intron variant (1).
Genome position (GRCh38, 1-based): chr3:121,799,374, A>G on the plus strand (T>C on the coding strand, the complement: IQCB1 is on the minus strand). VCF-style: chr3-121799374-A-G. GRCh37 (hg19) VCF-style: chr3-121518221-A-G.
Other names: c.588T>C, p.Ser196= (NM_001319107.2); c.587+7970T>C (NM_001023571.4).
Identifiers: ClinVar variation 257093 (VCV000257093.24), dbSNP rs80015876, ClinGen allele CA2567350.
Genomic context (GRCh38, chr3:121,799,374, plus strand): 5'-GAAAATAACTTCATCTAAAATTGAATACAGGGCTTTTCTTCCTATTCTGAGTAAATCACC[A>G]CTAATAGAACAAAATAAAAAAAAAAGTACCATTACTAATTGATGTACAGGTATCACAACA-3'
Protein context (NP_001018864.2, residues 186-206): MMLQNILQIN[Ser196=]GDLLRIGRKA